The following is an entry in ClinVar:

ClinVar aggregate classification (germline): Uncertain significance (1 of 4 stars; one submission).

Conditions:
Specific granule deficiency. Identifiers: Orphanet 169142, MedGen C0398593, MONDO:0009506.

Allele frequency attached by ClinVar (database versions not stated): gnomAD exomes 0.00001 and 0.00003; gnomAD 0.00004 and 0.00005; TOPMed 0.00004; ExAC 0.00006.

Submission:

Labcorp Genetics (formerly Invitae), Labcorp
Classification: Uncertain significance for Specific granule deficiency. Last evaluated: 2025-04-11. Review status: criteria provided, single submitter. Criteria: Invitae Variant Classification Sherloc (09022015). Collection method: clinical testing. Allele origin: germline.
Comment: This sequence change replaces glutamic acid, which is acidic and polar, with lysine, which is basic and polar, at codon 8 of the CEBPE protein (p.Glu8Lys). This variant is present in population databases (rs780505713, gnomAD 0.02%). This variant has not been reported in the literature in individuals affected with CEBPE-related conditions. ClinVar contains an entry for this variant (Variation ID: 1017775). An algorithm developed to predict the effect of missense changes on protein structure and function (PolyPhen-2) suggests that this variant is likely to be tolerated. In summary, the available evidence is currently insufficient to determine the role of this variant in disease. Therefore, it has been classified as a Variant of Uncertain Significance.

NM_001805.4(CEBPE):c.22G>A (p.Glu8Lys)

Gene: CEBPE (CCAAT enhancer binding protein epsilon; minus strand). Cytogenetic location: 14q11.2.
Variant type: single nucleotide variant.
Coding change: c.22G>A on transcript NM_001805.4 (MANE Select); coding-DNA position 22, G replaced by A.
Protein change: p.Glu8Lys; replaces glutamic acid 8 with lysine.
Molecular consequence: missense variant.
Genome position (GRCh38, 1-based): chr14:23,119,070, C>T on the plus strand (G>A on the coding strand, the complement: CEBPE is on the minus strand). VCF-style: chr14-23119070-C-T. GRCh37 (hg19) VCF-style: chr14-23588279-C-T.
Other names: short protein forms E8K.
Identifiers: ClinVar variation 1017775 (VCV001017775.9), dbSNP rs780505713, ClinGen allele CA7111318.